The following is an entry in ClinVar:

NM_022455.5(NSD1):c.622G>A (p.Gly208Arg)

Gene: NSD1 (nuclear receptor binding SET domain protein 1; plus strand). Cytogenetic location: 5q35.3.
Variant type: single nucleotide variant.
Coding change: c.622G>A on transcript NM_022455.5 (MANE Select); coding-DNA position 622, G replaced by A.
Protein change: p.Gly208Arg; replaces glycine 208 with arginine.
Molecular consequence: missense variant. On other transcripts: intron variant (8).
Genome position (GRCh38, 1-based): chr5:177,135,725, G>A. VCF-style: chr5-177135725-G-A. GRCh37 (hg19) VCF-style: chr5-176562726-G-A.
Other names: c.622G>A, p.Gly208Arg (NM_001409301.1, NM_001409302.1, NM_001409303.1); c.417+205G>A (NM_001409304.1); c.-36-216G>A (NM_001409305.1, NM_001409306.1, NM_001409308.1 and 4 more transcripts); short protein forms G208R.
Identifiers: ClinVar variation 729465 (VCV000729465.6), dbSNP rs1581091469, ClinGen allele CA362294810.
Genomic context (GRCh38, chr5:177,135,725, plus strand): 5'-CAGACCAATGCCACCTGCAATTATGAGACTAAATCAGAGAATGGTGTAAAAGTGGCCATG[G>A]GAAGTGAACAAGACAGCACACCAGAGAGTAGACACGGTGCAGTCAAATCGCCATTCTTGC-3'
Protein context (NP_071900.2, residues 198-218): KSENGVKVAM[Gly208Arg]SEQDSTPESR

ClinVar aggregate classification (germline): Conflicting classifications of pathogenicity. Review status: criteria provided, conflicting classifications (1 of 4 stars). 3 submissions from 3 submitters: Uncertain significance (2); Likely benign (1). Last evaluated 2025-03-10.

Conditions:
Inborn genetic diseases. Identifiers: MedGen C0950123, MeSH D030342.

Allele frequency attached by ClinVar (database versions not stated): gnomAD exomes below 0.00001.
gnomAD v4.1: 2 of 1,614,182 alleles (0.00012%); highest among the groups gnomAD compares: Non-Finnish European, 0.000085%; no homozygotes.

Submissions (3):

Ambry Genetics
Classification: Uncertain significance for Inborn genetic diseases. Last evaluated: 2025-03-10. Review status: criteria provided, single submitter. Criteria: Ambry Variant Classification Scheme 2023. Collection method: clinical testing. Allele origin: germline.

GeneDx
Classification: Uncertain significance. Last evaluated: 2022-07-19. Review status: criteria provided, single submitter. Criteria: GeneDx Variant Classification Process June 2021. Collection method: clinical testing. Allele origin: germline. Affected: yes.
Comment: Not observed at significant frequency in large population cohorts (gnomAD); In silico analysis supports that this missense variant does not alter protein structure/function; Has not been previously published as pathogenic or benign to our knowledge

Labcorp Genetics (formerly Invitae), Labcorp
Classification: Likely benign. Last evaluated: 2017-12-05. Review status: criteria provided, single submitter. Criteria: Invitae Variant Classification Sherloc (09022015). Collection method: clinical testing. Allele origin: germline.